The following is an entry in ClinVar:

NM_001197104.2(KMT2A):c.10341G>T (p.Gly3447=)

Gene: KMT2A (lysine methyltransferase 2A; plus strand). Cytogenetic location: 11q23.3.
Variant type: single nucleotide variant.
Coding change: c.10341G>T on transcript NM_001197104.2 (MANE Select); coding-DNA position 10341, G replaced by T.
Protein change: p.Gly3447=; no amino-acid change (glycine 3447 retained).
Molecular consequence: synonymous variant.
Genome position (GRCh38, 1-based): chr11:118,506,233, G>T. VCF-style: chr11-118506233-G-T. GRCh37 (hg19) VCF-style: chr11-118376948-G-T.
Other names: c.10431G>T, p.Gly3477= (NM_001412597.1); c.10332G>T, p.Gly3444= (NM_005933.4).
Identifiers: ClinVar variation 3341798 (VCV003341798.16).

ClinVar aggregate classification (germline): Likely benign (1 of 4 stars; one submission).

Submission:

CeGaT Center for Human Genetics Tuebingen
Classification: Likely benign. Last evaluated: 2026-04-01. Review status: criteria provided, single submitter. Criteria: CeGaT Center For Human Genetics Tuebingen Variant Classification Criteria Version 2. Collection method: clinical testing. Allele origin: germline. Affected: yes. Observed: 3 variant alleles.
Comment: KMT2A: PM2:Supporting, BP4, BP7